The following is an entry in ClinVar:

NM_001256071.3(RNF213):c.3945G>A (p.Thr1315=)

Gene: RNF213 (ring finger protein 213; plus strand). Cytogenetic location: 17q25.3.
Variant type: single nucleotide variant.
Coding change: c.3945G>A on transcript NM_001256071.3 (MANE Select); coding-DNA position 3945, G replaced by A.
Protein change: p.Thr1315=; no amino-acid change (threonine 1315 retained).
Molecular consequence: synonymous variant.
Genome position (GRCh38, 1-based): chr17:80,332,433, G>A. VCF-style: chr17-80332433-G-A. GRCh37 (hg19) VCF-style: chr17-78306233-G-A.
Identifiers: ClinVar variation 753748 (VCV000753748.7), dbSNP rs373154701, ClinGen allele CA8820213.

ClinVar aggregate classification (germline): Benign/Likely benign. Review status: criteria provided, multiple submitters, no conflicts (2 of 4 stars). 4 submissions from 4 submitters: Benign (2); Likely benign (2). Last evaluated 2025-07-20.

Conditions:
RNF213-related disorder. Also called: RNF213-related condition.

Allele frequency attached by ClinVar (database versions not stated): ExAC 0.00006; gnomAD exomes 0.00007 and 0.00010; ESP Exome Variant Server 0.00022; gnomAD 0.00072 and 0.00076; TOPMed 0.00073; 1000 Genomes Project 30x 0.00078; 1000 Genomes Project 0.00080.
gnomAD v4.1: 206 of 1,537,140 alleles (0.013%); highest among the groups gnomAD compares: African/African-American, 0.24%; no homozygotes.

Submissions (4):

PreventionGenetics, part of Exact Sciences
Classification: Likely benign for RNF213-related condition. Last evaluated: 2025-07-20. Review status: criteria provided, single submitter. Criteria: ACMG Guidelines, 2015. Collection method: clinical testing. Allele origin: germline.
Comment: This variant is classified as likely benign based on ACMG/AMP sequence variant interpretation guidelines (Richards et al. 2015 PMID: 25741868, with internal and published modifications).

Blueprint Genetics
Classification: Likely benign. Last evaluated: 2024-07-12. Review status: criteria provided, single submitter. Criteria: ACMG Guidelines, 2015. Collection method: clinical testing. Allele origin: germline.

Labcorp Genetics (formerly Invitae), Labcorp
Classification: Benign. Last evaluated: 2019-12-31. Review status: criteria provided, single submitter. Criteria: Invitae Variant Classification Sherloc (09022015). Collection method: clinical testing. Allele origin: germline.

Breakthrough Genomics
Classification: Benign. Review status: criteria provided, single submitter. Criteria: ACMG Guidelines, 2015. Collection method: not provided. Allele origin: germline. Inheritance: Autosomal dominant inheritance. Affected: yes.